The following is an entry in ClinVar:

ClinVar aggregate classification (germline): Likely benign (0 of 4 stars; one submission).

Conditions:
PDE1C-related disorder. Also called: PDE1C-related condition.

Allele frequency attached by ClinVar (database versions not stated): gnomAD 0.00007; 1000 Genomes Project 30x 0.00016; ExAC 0.00017.
gnomAD v4.1: 122 of 1,612,504 alleles (0.0076%); highest among the groups gnomAD compares: South Asian, 0.13%; no homozygotes.

Submission:

PreventionGenetics, part of Exact Sciences
Classification: Likely benign for PDE1C-related condition. Last evaluated: 2023-05-03. Review status: no assertion criteria provided. Collection method: clinical testing. Allele origin: germline.
Comment: This variant is classified as likely benign based on ACMG/AMP sequence variant interpretation guidelines (Richards et al. 2015 PMID: 25741868, with internal and published modifications).

NM_001191057.4(PDE1C):c.2071G>A (p.Asp691Asn)

Gene: PDE1C (phosphodiesterase 1C; minus strand). Cytogenetic location: 7p14.3.
Variant type: single nucleotide variant.
Coding change: c.2071G>A on transcript NM_001191057.4 (MANE Select); coding-DNA position 2071, G replaced by A.
Protein change: p.Asp691Asn; replaces aspartic acid 691 with asparagine.
Molecular consequence: missense variant.
Genome position (GRCh38, 1-based): chr7:31,753,443, C>T on the plus strand (G>A on the coding strand, the complement: PDE1C is on the minus strand). VCF-style: chr7-31753443-C-T. GRCh37 (hg19) VCF-style: chr7-31793057-C-T.
Other names: c.2251G>A, p.Asp751Asn (NM_001191058.4); c.2071G>A, p.Asp691Asn (NM_001191059.4, NM_001322055.2); short protein forms D691N, D751N.
Identifiers: ClinVar variation 3030624 (VCV003030624.2), dbSNP rs778260273, ClinGen allele CA4210615.
Genomic context (GRCh38, chr7:31,753,443, plus strand): 5'-CCTATTTTCTGTTCCAGTTATGTGAGATGTTCTGAATCTTTTTCATTTTGATCCTCTGAT[C>T]CAGCATCTTGTACCTTGCAGGATGCTCATCAGTTTTCTTTGAGACTGAAGGTGCATAGGA-3'
Protein context (NP_001177986.1, residues 681-701): DEHPARYKML[Asp691Asn]QRIKMKKIQN